The following is an entry in ClinVar:

ClinVar aggregate classification (germline): Uncertain significance (1 of 4 stars; one submission).

Conditions:
Hereditary cancer-predisposing syndrome. Also called: Hereditary Cancer Syndrome; Hereditary neoplastic syndrome; Neoplastic Syndromes, Hereditary; Tumor predisposition. Identifiers: Orphanet 140162, MedGen C0027672, MeSH D009386, MONDO:0015356.

Submission:

Ambry Genetics
Classification: Uncertain significance for Hereditary cancer-predisposing syndrome. Last evaluated: 2021-12-10. Review status: criteria provided, single submitter. Criteria: Ambry Variant Classification Scheme 2023. Collection method: clinical testing. Allele origin: germline.
Comment: The p.T1471N variant (also known as c.4412C>A), located in coding exon 28 of the ATM gene, results from a C to A substitution at nucleotide position 4412. The threonine at codon 1471 is replaced by asparagine, an amino acid with similar properties. This amino acid position is conserved. In addition, the in silico prediction for this alteration is inconclusive. Since supporting evidence is limited at this time, the clinical significance of this alteration remains unclear.

NM_000051.4(ATM):c.4412C>A (p.Thr1471Asn)

Gene: ATM (ATM serine/threonine kinase; plus strand). Cytogenetic location: 11q22.3.
Variant type: single nucleotide variant.
Coding change: c.4412C>A on transcript NM_000051.4 (MANE Select); coding-DNA position 4412, C replaced by A.
Protein change: p.Thr1471Asn; replaces threonine 1471 with asparagine.
Molecular consequence: missense variant.
Genome position (GRCh38, 1-based): chr11:108,289,777, C>A. VCF-style: chr11-108289777-C-A. GRCh37 (hg19) VCF-style: chr11-108160504-C-A.
Other names: c.4412C>A, p.Thr1471Asn (NM_001351834.2); short protein forms T1471N.
Identifiers: ClinVar variation 1740411 (VCV001740411.2), dbSNP rs2135766106, ClinGen allele CA382532245.